The following is an entry in ClinVar:

ClinVar aggregate classification (germline): Likely benign (1 of 4 stars; one submission).

Allele frequency attached by ClinVar (database versions not stated): gnomAD 0.00306.
gnomAD v4.1: 385 of 124,912 alleles (0.31%); highest among the groups gnomAD compares: Non-Finnish European, 0.46%; 1 homozygote.

Submission:

CeGaT Center for Human Genetics Tuebingen
Classification: Likely benign. Last evaluated: 2023-06-01. Review status: criteria provided, single submitter. Criteria: CeGaT Center For Human Genetics Tuebingen Variant Classification Criteria Version 2. Collection method: clinical testing. Allele origin: germline. Affected: yes. Observed: 29 variant alleles.
Comment: HRAS: BS1

NC_000011.10:g.530475G>A

Genes: HRAS (HRas proto-oncogene, GTPase; minus strand), LRRC56 (leucine rich repeat containing 56; plus strand). Cytogenetic location: 11p15.5.
Variant type: single nucleotide variant.
Genome position: GRCh38 VCF-style: chr11-530475-G-A. GRCh37 (hg19) VCF-style: chr11-530475-G-A.
Identifiers: ClinVar variation 1694577 (VCV001694577.31), dbSNP rs111377659, ClinGen allele CA216941415.